The following is an entry in ClinVar:

ClinVar aggregate classification (germline): Likely benign (1 of 4 stars; one submission).

Submission:

CeGaT Center for Human Genetics Tuebingen
Classification: Likely benign. Last evaluated: 2023-02-01. Review status: criteria provided, single submitter. Criteria: CeGaT Center For Human Genetics Tuebingen Variant Classification Criteria Version 2. Collection method: clinical testing. Allele origin: germline. Affected: yes. Observed: 1 variant allele.
Comment: CHD7: PM2:Supporting, BP4, BP7

NM_017780.4(CHD7):c.8601T>C (p.Ala2867=)

Gene: CHD7 (chromodomain helicase DNA binding protein 7; plus strand). Cytogenetic location: 8q12.2.
Variant type: single nucleotide variant.
Coding change: c.8601T>C on transcript NM_017780.4 (MANE Select); coding-DNA position 8601, T replaced by C.
Protein change: p.Ala2867=; no amino-acid change (alanine 2867 retained).
Molecular consequence: synonymous variant.
Genome position (GRCh38, 1-based): chr8:60,865,540, T>C. VCF-style: chr8-60865540-T-C. GRCh37 (hg19) VCF-style: chr8-61778099-T-C.
Other names: c.2454T>C, p.Ala818= (NM_001316690.1).
Identifiers: ClinVar variation 2658625 (VCV002658625.24), dbSNP rs2488149652, ClinGen allele CA461106134.
Genomic context (GRCh38, chr8:60,865,540, plus strand): 5'-AAATGAGAATGAAGACGAGAACAAAGACTCTGAGAAAAGCACAGATGCTGTTTCGGCTGC[T>C]GACTCTGCGAATGGATCTGTTGGTGCTGCTACTGCCCCGGCTGGATTGCCCTCAAACCCG-3'
Protein context (NP_060250.2, residues 2857-2877): SEKSTDAVSA[Ala2867=]DSANGSVGAA